The following is an entry in ClinVar:

NM_017635.5(KMT5B):c.2487CTC[1] (p.Ser832del)

Gene: KMT5B (lysine methyltransferase 5B; minus strand). Cytogenetic location: 11q13.2.
Variant type: Microsatellite.
Coding change: c.2487CTC[1] on transcript NM_017635.5 (MANE Select); one copy of the 3-base unit CTC starting at c.2487; the reference has two copies in a row; one copy, 3 bases deleted.
Protein change: p.Ser832del; deletes serine 832.
Genome position (GRCh38, 1-based): chr11:68,157,854-68,157,856, GAG deleted on the plus strand (CTC on the coding strand, the reverse complement: KMT5B is on the minus strand); deleting any 3 consecutive bases within chr11:68,157,854-68,157,861 gives the same sequence; the position shown is the placement nearest the transcript's 3' end. VCF-style (leftmost placement, unchanged base first): chr11-68157853-AGAG-A. GRCh37 (hg19) VCF-style: chr11-67925320-AGAG-A.
Other names: c.1971CTC[1], p.Ser660del (NM_001300907.1, NM_001369428.1, NM_001369429.1 and 4 more transcripts); c.1767CTC[1], p.Ser592del (NM_001300908.2); c.2487CTC[1], p.Ser832del (NM_001369426.1); short protein forms S592del, S660del, S832del.
Identifiers: ClinVar variation 4084440 (VCV004084440.8).

ClinVar aggregate classification (germline): Likely benign (1 of 4 stars; one submission).

Submission:

CeGaT Center for Human Genetics Tuebingen
Classification: Likely benign. Last evaluated: 2025-08-01. Review status: criteria provided, single submitter. Criteria: CeGaT Center For Human Genetics Tuebingen Variant Classification Criteria Version 2. Collection method: clinical testing. Allele origin: germline. Affected: yes. Observed: 1 variant allele.
Comment: KMT5B: BP3